The following is an entry in ClinVar:

ClinVar aggregate classification (germline): Conflicting classifications of pathogenicity. Review status: criteria provided, conflicting classifications (1 of 4 stars). 6 submissions from 6 submitters: Uncertain significance (2); Likely benign (4). Last evaluated 2026-01-08.

Conditions:
Primary ciliary dyskinesia. Also called: Ciliary dyskinesia. Identifiers: Orphanet 244, MedGen C0008780, MONDO:0016575, HP:0012265.
Primary ciliary dyskinesia 7. Also called: CILIARY DYSKINESIA, PRIMARY, 7, WITH OR WITHOUT SITUS INVERSUS. Identifiers: Orphanet 244, MedGen C2678473, MONDO:0012748, OMIM 611884.

Allele frequency attached by ClinVar (database versions not stated): ESP Exome Variant Server 0.00017; TOPMed 0.00020; gnomAD 0.00023 and 0.00030; 1000 Genomes Project 0.00040; 1000 Genomes Project 30x 0.00047; gnomAD exomes 0.00047; ExAC 0.00055.
gnomAD v4.1: 444 of 1,611,818 alleles (0.028%); highest among the groups gnomAD compares: South Asian, 0.22%; 4 homozygotes.

Submissions (6):

Labcorp Genetics (formerly Invitae), Labcorp
Classification: Likely benign for Primary ciliary dyskinesia. Last evaluated: 2026-01-08. Review status: criteria provided, single submitter. Criteria: Invitae Variant Classification Sherloc (09022015). Collection method: clinical testing. Allele origin: germline.

CeGaT Center for Human Genetics Tuebingen
Classification: Likely benign. Last evaluated: 2025-06-01. Review status: criteria provided, single submitter. Criteria: CeGaT Center For Human Genetics Tuebingen Variant Classification Criteria Version 2. Collection method: clinical testing. Allele origin: germline. Affected: yes. Observed: 1 variant allele.
Comment: DNAH11: BP4, BS2

GeneDx
Classification: Uncertain significance. Last evaluated: 2024-04-18. Review status: criteria provided, single submitter. Criteria: GeneDx Variant Classification Process June 2021. Collection method: clinical testing. Allele origin: germline. Affected: yes.
Comment: In silico analysis supports that this missense variant has a deleterious effect on protein structure/function; This variant is associated with the following publications: (PMID: 34556108)

Ambry Genetics
Classification: Likely benign for Primary ciliary dyskinesia. Last evaluated: 2021-07-27. Review status: criteria provided, single submitter. Criteria: Ambry Variant Classification Scheme 2023. Collection method: clinical testing. Allele origin: germline.

Revvity Omics, Revvity
Classification: Uncertain significance for Primary ciliary dyskinesia 7. Last evaluated: 2019-10-28. Review status: criteria provided, single submitter. Criteria: ACMG Guidelines, 2015. Collection method: clinical testing. Allele origin: germline.

Laboratory for Molecular Medicine, Mass General Brigham Personalized Medicine
Classification: Likely benign. Last evaluated: 2015-09-30. Review status: criteria provided, single submitter. Criteria: LMM Criteria. Collection method: clinical testing. Allele origin: germline. Observed: 1 variant allele.
Comment: p.Arg4300His in exon 78 of DNAH11: This variant is not expected to have clinical significance due to a lack of conservation across species, including mammals. O f note, 5 mammals including the Egyptian jerboa, white rhinoceros, David's myoti s (bat), microbat and big brown bat have a histidine (His) at this position. In addition, it has been seen in 0.22% (34/15800) of South Asian chromosomes by the Exome Aggregation Consortium (ExAC; dbSNPrs3773 88499).

NM_001277115.2(DNAH11):c.12899G>A (p.Arg4300His)

Gene: DNAH11 (dynein axonemal heavy chain 11; plus strand). Cytogenetic location: 7p15.3.
Variant type: single nucleotide variant.
Coding change: c.12899G>A on transcript NM_001277115.2 (MANE Select); coding-DNA position 12899, G replaced by A.
Protein change: p.Arg4300His; replaces arginine 4300 with histidine.
Molecular consequence: missense variant.
Genome position (GRCh38, 1-based): chr7:21,894,771, G>A. VCF-style: chr7-21894771-G-A. GRCh37 (hg19) VCF-style: chr7-21934389-G-A.
Other names: short protein forms R4300H.
Identifiers: ClinVar variation 227319 (VCV000227319.32), dbSNP rs377388499, ClinGen allele CA4183210.